The following is an entry in ClinVar:

NM_000052.7(ATP7A):c.4245C>T (p.Tyr1415=)

Gene: ATP7A (ATPase copper transporting alpha; plus strand). Cytogenetic location: Xq21.1.
Variant type: single nucleotide variant.
Coding change: c.4245C>T on transcript NM_000052.7 (MANE Select); coding-DNA position 4245, C replaced by T.
Protein change: p.Tyr1415=; no amino-acid change (tyrosine 1415 retained).
Molecular consequence: synonymous variant. On other transcripts: non-coding transcript variant (1).
Genome position (GRCh38, 1-based): chrX:78,046,312, C>T. VCF-style: chrX-78046312-C-T. GRCh37 (hg19) VCF-style: chrX-77301809-C-T.
Other names: c.4011C>T, p.Tyr1337= (NM_001282224.2); c.4245C>T (NM_000052.4).
Identifiers: ClinVar variation 705470 (VCV000705470.16), dbSNP rs782346811, ClinGen allele CA10459530.

ClinVar aggregate classification (germline): Likely benign. Review status: criteria provided, multiple submitters, no conflicts (2 of 4 stars). 4 submissions from 4 submitters: Likely benign (2). 2 of the submissions do not count toward it. Last evaluated 2025-12-21.

Conditions:
Menkes kinky-hair syndrome (MNK). Also called: Menkes Disease; Copper transport disease; Classic Menkes Disease. Identifiers: Orphanet 565, MedGen C0022716, MONDO:0010651, OMIM 309400.
X-linked distal spinal muscular atrophy type 3. Also called: NEURONOPATHY, DISTAL HEREDITARY MOTOR, X-LINKED; NEUROPATHY, DISTAL HEREDITARY MOTOR, X-LINKED; SPINAL MUSCULAR ATROPHY, DISTAL, X-LINKED RECESSIVE; ATP7A-Related Distal Motor Neuropathy. Identifiers: Orphanet 139557, MedGen C1845359, MONDO:0010338, OMIM 300489.
Cutis laxa, X-linked (OHS). Also called: EDS IX; Occipital horn syndrome. Identifiers: Orphanet 198, MedGen C0268353, MONDO:0010572, OMIM 304150.
ATP7A-related disorder. Also called: ATP7A-related condition.
Inborn genetic diseases. Identifiers: MedGen C0950123, MeSH D030342.

Allele frequency attached by ClinVar (database versions not stated): gnomAD 0.00002; gnomAD exomes 0.00003 and 0.00011; TOPMed 0.00006; ExAC 0.00010.
gnomAD v4.1: 31 of 1,210,102 alleles (0.0026%); highest among the groups gnomAD compares: Admixed American, 0.046%; no homozygotes.

Submissions (4):

Labcorp Genetics (formerly Invitae), Labcorp
Classification: Likely benign for X-linked distal spinal muscular atrophy type 3; Cutis laxa, X-linked; Menkes kinky-hair syndrome. Last evaluated: 2025-12-21. Review status: criteria provided, single submitter. Criteria: Invitae Variant Classification Sherloc (09022015). Collection method: clinical testing. Allele origin: germline.

Ambry Genetics
Classification: Likely benign for Inborn genetic diseases. Last evaluated: 2017-11-02. Review status: criteria provided, single submitter. Criteria: Ambry Variant Classification Scheme 2023. Collection method: clinical testing. Allele origin: germline.

PreventionGenetics, part of Exact Sciences
Classification: Likely benign for ATP7A-related condition. Last evaluated: 2023-01-31. Review status: no assertion criteria provided. Collection method: clinical testing. Allele origin: germline. Not counted in ClinVar's aggregate classification.
Comment: This variant is classified as likely benign based on ACMG/AMP sequence variant interpretation guidelines (Richards et al. 2015 PMID: 25741868, with internal and published modifications).

Natera, Inc.
Classification: Likely benign for Distal spinal muscular atrophy, X-linked 3; Cutis laxa, X-linked; Menkes kinky-hair syndrome. Last evaluated: 2020-09-16. Review status: no assertion criteria provided. Collection method: clinical testing. Allele origin: germline. Not counted in ClinVar's aggregate classification.